The following is an entry in ClinVar:

NM_001377448.1(BAHCC1):c.3103G>A (p.Ala1035Thr)

Gene: BAHCC1 (BAH domain and coiled-coil containing 1; plus strand). Cytogenetic location: 17q25.3.
Variant type: single nucleotide variant.
Coding change: c.3103G>A on transcript NM_001377448.1 (MANE Select); coding-DNA position 3103, G replaced by A.
Protein change: p.Ala1035Thr; replaces alanine 1035 with threonine.
Molecular consequence: missense variant.
Genome position (GRCh38, 1-based): chr17:81,445,621, G>A. VCF-style: chr17-81445621-G-A. GRCh37 (hg19) VCF-style: chr17-79412647-G-A.
Other names: c.3103G>A, p.Ala1035Thr (NM_001291324.3); short protein forms A1035T.
Identifiers: ClinVar variation 2648451 (VCV002648451.24), dbSNP rs368906845, ClinGen allele CA8834046.

ClinVar aggregate classification (germline): Likely benign (1 of 4 stars; one submission).

Allele frequency attached by ClinVar (database versions not stated): ESP Exome Variant Server 0.00026; 1000 Genomes Project 30x 0.00031; TOPMed 0.00032; 1000 Genomes Project 0.00040; gnomAD 0.00049; ExAC 0.00378.
gnomAD v4.1: 815 of 732,424 alleles (0.11%); highest among the groups gnomAD compares: South Asian, 0.76%; 8 homozygotes.

Submission:

CeGaT Center for Human Genetics Tuebingen
Classification: Likely benign. Last evaluated: 2022-07-01. Review status: criteria provided, single submitter. Criteria: CeGaT Center For Human Genetics Tuebingen Variant Classification Criteria Version 2. Collection method: clinical testing. Allele origin: germline. Affected: yes. Observed: 1 variant allele.
Comment: BAHCC1: BP4, BS2